The following is an entry in ClinVar:

NM_007118.4(TRIO):c.2874+4A>G

Gene: TRIO (trio Rho guanine nucleotide exchange factor; plus strand). Cytogenetic location: 5p15.2.
Variant type: single nucleotide variant.
Coding change: c.2874+4A>G on transcript NM_007118.4 (MANE Select); 4 bases into the intron after coding-DNA position 2874, A replaced by G.
Molecular consequence: intron variant.
Genome position (GRCh38, 1-based): chr5:14,366,983, A>G. VCF-style: chr5-14366983-A-G. GRCh37 (hg19) VCF-style: chr5-14367092-A-G.
Identifiers: ClinVar variation 1049383 (VCV001049383.1), dbSNP rs1744653458, ClinGen allele CA1073431728.
Genomic context (GRCh38, chr5:14,366,983, plus strand): 5'-TTACAAGAGGCAGAGCAGCTCCAGCGAGAGCACGAGCAGTTCCAGCATGCCATTGAGGTA[A>G]GGGCGCTGGGCCTGCCTGTGTGTTGGCTCTTTCATTCCTCAGGACAAACATCCTGAATCC-3'

ClinVar aggregate classification (germline): Uncertain significance (0 of 4 stars; one submission).

Allele frequency attached by ClinVar (database versions not stated): gnomAD exomes below 0.00001; gnomAD 0.00002.
gnomAD v4.1: 4 of 1,613,904 alleles (0.00025%); highest among the groups gnomAD compares: African/African-American, 0.004%; no homozygotes.

Submission:

Department of Pathology and Laboratory Medicine, Sinai Health System
Classification: Uncertain significance. Review status: no assertion criteria provided. Collection method: clinical testing. Allele origin: unknown. Affected: yes. Study: The Canadian Open Genetics Repository (COGR).
Comment: The TRIO c.2874+4A>G variant was not identified in the literature nor was it identified in dbSNP, ClinVar or in the following control databases: the 1000 Genomes Project, the NHLBI GO Exome Sequencing Project, or the Genome Aggregation Database (March 6, 2019, v2.1.1). The c.2874+4A>G variant is located in the 5' splice region but does not affect the invariant +1 and +2 positions. However, positions +3 to +6 are part of the splicing consensus sequence and variants involving these positions sometimes affect splicing. In addition, 3 of 4 in silico or computational prediction software programs (SpliceSiteFinder, MaxEntScan, NNSPLICE, GeneSplicer) predict a greater than 10% difference in splicing. However, this has not been confirmed by RNA analysis and is not predictive enough to assume pathogenicity. In summary, based on the above information the clinical significance of this variant cannot be determined with certainty at this time. This variant is classified as a variant of uncertain significance.